The following is an entry in ClinVar:

ClinVar aggregate classification (germline): Uncertain significance (1 of 4 stars; one submission).

Conditions:
Hereditary cancer-predisposing syndrome. Also called: Hereditary Cancer Syndrome; Neoplastic Syndromes, Hereditary; Tumor predisposition; Hereditary neoplastic syndrome. Identifiers: Orphanet 140162, MedGen C0027672, MeSH D009386, MONDO:0015356.

Submission:

Ambry Genetics
Classification: Uncertain significance for Hereditary cancer-predisposing syndrome. Last evaluated: 2022-01-19. Review status: criteria provided, single submitter. Criteria: Ambry Variant Classification Scheme 2023. Collection method: clinical testing. Allele origin: germline.
Comment: The p.Y1642F variant (also known as c.4925A>T), located in coding exon 15 of the APC gene, results from an A to T substitution at nucleotide position 4925. The tyrosine at codon 1642 is replaced by phenylalanine, an amino acid with highly similar properties. This amino acid position is conserved. In addition, in silico predictors for this gene do not accurately predict pathogenicity. Since supporting evidence is limited at this time, the clinical significance of this alteration remains unclear.

NM_000038.6(APC):c.4925A>T (p.Tyr1642Phe)

Gene: APC (APC regulator of Wnt signaling pathway; plus strand). Cytogenetic location: 5q22.2.
Variant type: single nucleotide variant.
Coding change: c.4925A>T on transcript NM_000038.6 (MANE Select); coding-DNA position 4925, A replaced by T.
Protein change: p.Tyr1642Phe; replaces tyrosine 1642 with phenylalanine.
Molecular consequence: missense variant.
Genome position (GRCh38, 1-based): chr5:112,840,519, A>T. VCF-style: chr5-112840519-A-T. GRCh37 (hg19) VCF-style: chr5-112176216-A-T.
Other names: c.4925A>T, p.Tyr1642Phe (NM_001127510.3, NM_001354895.2, NM_001407450.1); c.4871A>T, p.Tyr1624Phe (NM_001127511.3); c.4979A>T, p.Tyr1660Phe (NM_001354896.2, NM_001407447.1, NM_001407448.1 and 1 more transcripts); c.4955A>T, p.Tyr1652Phe (NM_001354897.2); c.4850A>T, p.Tyr1617Phe (NM_001354898.2); c.4841A>T, p.Tyr1614Phe (NM_001354899.2); c.4802A>T, p.Tyr1601Phe (NM_001354900.2); c.4748A>T, p.Tyr1583Phe (NM_001354901.2, NM_001407453.1); and 11 more; short protein forms Y1482F, Y1513F, Y1559F, Y1614F, Y1617F, Y1624F, Y1632F, Y1516F.
Identifiers: ClinVar variation 1744150 (VCV001744150.2), dbSNP rs779499509, ClinGen allele CA16032118.